The following is an entry in ClinVar:

ClinVar aggregate classification (germline): Uncertain significance (1 of 4 stars; one submission).

Submission:

Labcorp Genetics (formerly Invitae), Labcorp
Classification: Uncertain significance. Last evaluated: 2024-10-30. Review status: criteria provided, single submitter. Criteria: Invitae Variant Classification Sherloc (09022015). Collection method: clinical testing. Allele origin: germline.
Comment: This sequence change falls in intron 30 of the COL18A1 gene. It does not directly change the encoded amino acid sequence of the COL18A1 protein. It affects a nucleotide within the consensus splice site. This variant is not present in population databases (gnomAD no frequency). This variant has not been reported in the literature in individuals affected with COL18A1-related conditions. ClinVar contains an entry for this variant (Variation ID: 2098400). Variants that disrupt the consensus splice site are a relatively common cause of aberrant splicing (PMID: 17576681, 9536098). Algorithms developed to predict the effect of sequence changes on RNA splicing suggest that this variant may disrupt the consensus splice site. In summary, the available evidence is currently insufficient to determine the role of this variant in disease. Therefore, it has been classified as a Variant of Uncertain Significance.

Literature cited by the submitters: PubMed 17576681; PubMed 9536098.

NM_001379500.1(COL18A1):c.2577+5G>C

Gene: COL18A1 (collagen type XVIII alpha 1 chain; plus strand). Cytogenetic location: 21q22.3.
Variant type: single nucleotide variant.
Coding change: c.2577+5G>C on transcript NM_001379500.1 (MANE Select); 5 bases into the intron after coding-DNA position 2577, G replaced by C.
Molecular consequence: intron variant.
Genome position (GRCh38, 1-based): chr21:45,496,573, G>C. VCF-style: chr21-45496573-G-C. GRCh37 (hg19) VCF-style: chr21-46916487-G-C.
Other names: c.3822+5G>C (NM_130444.3); c.3117+5G>C (NM_030582.4).
Identifiers: ClinVar variation 2098400 (VCV002098400.4), dbSNP rs2517715330, ClinGen allele CA2580098960.